The following is an entry in ClinVar:

NM_007294.4(BRCA1):c.3232C>A (p.Pro1078Thr)

Genes: BRCA1 (BRCA1 DNA repair associated; minus strand), LOC126862571 (BRD4-independent group 4 enhancer GRCh37_chr17:41243136-41244335; plus strand). Cytogenetic location: 17q21.31.
Variant type: single nucleotide variant.
Coding change: c.3232C>A on transcript NM_007294.4 (MANE Select); coding-DNA position 3232, C replaced by A.
Protein change: p.Pro1078Thr; replaces proline 1078 with threonine.
Molecular consequence: missense variant. On other transcripts: intron variant (137).
Genome position (GRCh38, 1-based): chr17:43,092,299, G>T on the plus strand (C>A on the coding strand, the complement: BRCA1 is on the minus strand). VCF-style: chr17-43092299-G-T. GRCh37 (hg19) VCF-style: chr17-41244316-G-T.
Other names: c.3019C>A, p.Pro1007Thr (NM_001407571.1, NM_001407853.1, NM_001407894.1 and 9 more transcripts); c.3232C>A, p.Pro1078Thr (NM_001407581.1, NM_001407582.1, NM_001407583.1 and 30 more transcripts); c.3229C>A, p.Pro1077Thr (NM_001407587.1, NM_001407590.1, NM_001407591.1 and 22 more transcripts); c.2968C>A, p.Pro990Thr (NM_001407929.1, NM_001407933.1, NM_001407935.1 and 9 more transcripts); c.2965C>A, p.Pro989Thr (NM_001407930.1, NM_001407931.1, NM_001407932.1 and 2 more transcripts); c.3109C>A, p.Pro1037Thr (NM_001407937.1, NM_001407938.1, NM_001407648.1 and 19 more transcripts); c.3088C>A, p.Pro1030Thr (NM_001407964.1, NM_001407740.1, NM_001407741.1 and 20 more transcripts); c.2728C>A, p.Pro910Thr (NM_001407965.1); and 41 more; short protein forms P1010T, P1030T, P1031T, P910T, P966T, P1037T, P1075T, P1078T.
Identifiers: ClinVar variation 3992637 (VCV003992637.1).

ClinVar aggregate classification (germline): Uncertain significance (1 of 4 stars; one submission).

Conditions:
Hereditary cancer-predisposing syndrome. Also called: Tumor predisposition; Hereditary neoplastic syndrome; Neoplastic Syndromes, Hereditary; Hereditary Cancer Syndrome. Identifiers: Orphanet 140162, MedGen C0027672, MeSH D009386, MONDO:0015356.

Submission:

Ambry Genetics
Classification: Uncertain significance for Hereditary cancer-predisposing syndrome. Last evaluated: 2025-06-12. Review status: criteria provided, single submitter. Criteria: Ambry Variant Classification Scheme 2023. Collection method: clinical testing. Allele origin: germline.
Comment: The p.P1078T variant (also known as c.3232C>A), located in coding exon 9 of the BRCA1 gene, results from a C to A substitution at nucleotide position 3232. The proline at codon 1078 is replaced by threonine, an amino acid with highly similar properties. This amino acid position is not well conserved in available vertebrate species. In addition, the in silico prediction for this alteration is inconclusive. Based on the available evidence, the clinical significance of this variant remains unclear.